The following is an entry in ClinVar:

NM_001572.5(IRF7):c.21-6C>G

Gene: IRF7 (interferon regulatory factor 7; minus strand). Cytogenetic location: 11p15.5.
Variant type: single nucleotide variant.
Coding change: c.21-6C>G on transcript NM_001572.5 (MANE Select); 6 bases into the intron before coding-DNA position 21, C replaced by G.
Molecular consequence: intron variant. On other transcripts: synonymous variant (1).
Genome position (GRCh38, 1-based): chr11:615,265, G>C on the plus strand (C>G on the coding strand, the complement: IRF7 is on the minus strand). VCF-style: chr11-615265-G-C. GRCh37 (hg19) VCF-style: chr11-615265-G-C.
Other names: c.54C>G, p.Thr18= (NM_004031.4); c.21-6C>G (NM_004029.4).
Identifiers: ClinVar variation 2762017 (VCV002762017.3), dbSNP rs1856774528, ClinGen allele CA472328749.

ClinVar aggregate classification (germline): Uncertain significance (1 of 4 stars; one submission).

Conditions:
Immunodeficiency 39 (IMD39). Identifiers: Orphanet 574918, MedGen C4225358, MONDO:0014597, OMIM 616345.

Submission:

Labcorp Genetics (formerly Invitae), Labcorp
Classification: Uncertain significance for Immunodeficiency 39. Last evaluated: 2023-10-13. Review status: criteria provided, single submitter. Criteria: Invitae Variant Classification Sherloc (09022015). Collection method: clinical testing. Allele origin: germline.
Comment: This sequence change affects codon 18 of the IRF7 mRNA. It is a 'silent' change, meaning that it does not change the encoded amino acid sequence of the IRF7 protein. This variant is not present in population databases (gnomAD no frequency). This variant has not been reported in the literature in individuals affected with IRF7-related conditions. Algorithms developed to predict the effect of sequence changes on RNA splicing suggest that this variant may disrupt the consensus splice site. In summary, the available evidence is currently insufficient to determine the role of this variant in disease. Therefore, it has been classified as a Variant of Uncertain Significance.